The following is an entry in ClinVar:

ClinVar aggregate classification (germline): Likely benign (1 of 4 stars; one submission).

Conditions:
FKTN-related disorder. Also called: FKTN-related condition; FKTN-related disorders.

gnomAD v4.1: 12 of 151,652 alleles (0.0079%); highest among the groups gnomAD compares: African/African-American, 0.029%; no homozygotes.

Submission:

PreventionGenetics, part of Exact Sciences
Classification: Likely benign for FKTN-related condition. Last evaluated: 2026-05-08. Review status: criteria provided, single submitter. Criteria: ACMG Guidelines, 2015. Collection method: clinical testing. Allele origin: germline.
Comment: This variant is classified as likely benign based on ACMG/AMP sequence variant interpretation guidelines (Richards et al. 2015 PMID: 25741868, with internal and published modifications).

NM_001079802.2(FKTN):c.648-1236A>G

Gene: FKTN (fukutin; plus strand). Cytogenetic location: 9q31.2.
Variant type: single nucleotide variant.
Coding change: c.648-1236A>G on transcript NM_001079802.2 (MANE Select); 1236 bases into the intron before coding-DNA position 648, A replaced by G.
Molecular consequence: intron variant.
Genome position (GRCh38, 1-based): chr9:105,606,583, A>G. VCF-style: chr9-105606583-A-G. GRCh37 (hg19) VCF-style: chr9-108368864-A-G.
Other names: c.648-1236A>G (NM_006731.2, NM_001351496.2, NM_001198963.2 and 1 more transcripts); c.252-1236A>G (NM_001351502.2, NM_001351499.2, NM_001351500.2 and 1 more transcripts); c.579-1236A>G (NM_001351497.2).
Identifiers: ClinVar variation 4980523 (VCV004980523.1).